The following is an entry in ClinVar:

ClinVar aggregate classification (germline): Pathogenic (1 of 4 stars; one submission).

Conditions:
Hereditary hemorrhagic telangiectasia (HHT). Also called: ORW DISEASE; Osler Weber Rendu syndrome; OSLER-RENDU-WEBER DISEASE; Osler hemorrhagic telangiectasia syndrome. Identifiers: Orphanet 774, MedGen C0039445, MONDO:0019180. Disease mechanism: loss of function.

Submission:

Labcorp Genetics (formerly Invitae), Labcorp
Classification: Pathogenic for Hereditary hemorrhagic telangiectasia. Last evaluated: 2024-11-12. Review status: criteria provided, single submitter. Criteria: Invitae Variant Classification Sherloc (09022015). Collection method: clinical testing. Allele origin: germline.
Comment: This sequence change creates a premature translational stop signal (p.Ser18Trpfs*29) in the ENG gene. It is expected to result in an absent or disrupted protein product. Loss-of-function variants in ENG are known to be pathogenic (PMID: 15879500). This variant is not present in population databases (gnomAD no frequency). This variant has not been reported in the literature in individuals affected with ENG-related conditions. ClinVar contains an entry for this variant (Variation ID: 2735352). For these reasons, this variant has been classified as Pathogenic.

Literature cited by the submitters: PubMed 15879500.

NM_001114753.3(ENG):c.41_51dup (p.Ser18fs)

Gene: ENG (endoglin; minus strand). Cytogenetic location: 9q34.11.
Variant type: Duplication.
Coding change: c.41_51dup on transcript NM_001114753.3 (MANE Select); coding-DNA positions 41 to 51, 11 bases duplicated (TGGCCAGCTGC).
Protein change: p.Ser18fs; shifts the reading frame from serine 18.
Molecular consequence: frameshift variant.
Genome position (GRCh38, 1-based): chr9:127,854,305-127,854,315, GCAGCTGGCCA duplicated on the plus strand (TGGCCAGCTGC on the coding strand, the reverse complement: ENG is on the minus strand); duplicating any 11 consecutive bases within chr9:127,854,305-127,854,320 gives the same sequence; the c. name uses the placement nearest the transcript's 3' end. VCF-style (leftmost placement, unchanged base first): chr9-127854304-T-TGCAGCTGGCCA. GRCh37 (hg19) VCF-style: chr9-130616583-T-TGCAGCTGGCCA.
Other names: c.41_51dup, p.Ser18fs (NM_000118.4, NM_001406715.1); short protein forms S18fs.
Identifiers: ClinVar variation 2735352 (VCV002735352.3), dbSNP rs1564466393, ClinGen allele CA2695211398.